The following is an entry in ClinVar:

ClinVar aggregate classification (germline): Likely pathogenic (1 of 4 stars; one submission).

Conditions:
Landau-Kleffner syndrome (FESD). Also called: EPILEPSY, FOCAL, WITH SPEECH DISORDER AND WITH OR WITHOUT MENTAL RETARDATION; APHASIA, ACQUIRED, WITH EPILEPSY. Identifiers: Orphanet 1945, Orphanet 725, Orphanet 98818, MedGen C0282512, MONDO:0009509, OMIM 245570.

Submission:

Institute of Human Genetics, University of Leipzig Medical Center
Classification: Likely pathogenic for Landau-Kleffner syndrome. Last evaluated: 2025-05-15. Review status: criteria provided, single submitter. Criteria: ACMG Guidelines, 2015. Collection method: clinical testing. Allele origin: de novo. Inheritance: Autosomal dominant inheritance. Affected: yes.
Comment: Criteria applied: PM1,PM2,PP2, PS2_MOD

NM_001134407.3(GRIN2A):c.1225G>C (p.Val409Leu)

Gene: GRIN2A (glutamate ionotropic receptor NMDA type subunit 2A; minus strand). Cytogenetic location: 16p13.2.
Variant type: single nucleotide variant.
Coding change: c.1225G>C on transcript NM_001134407.3 (MANE Select); coding-DNA position 1225, G replaced by C.
Protein change: p.Val409Leu; replaces valine 409 with leucine.
Molecular consequence: missense variant.
Genome position (GRCh38, 1-based): chr16:9,849,859, C>G on the plus strand (G>C on the coding strand, the complement: GRIN2A is on the minus strand). VCF-style: chr16-9849859-C-G. GRCh37 (hg19) VCF-style: chr16-9943716-C-G.
Other names: c.1225G>C, p.Val409Leu (NM_000833.5, NM_001134408.2); short protein forms V409L.
Identifiers: ClinVar variation 3901163 (VCV003901163.2).